The following is an entry in ClinVar:

ClinVar aggregate classification (germline): Pathogenic/Likely pathogenic. Review status: criteria provided, multiple submitters, no conflicts (2 of 4 stars). 2 submissions from 2 submitters: Pathogenic (1); Likely pathogenic (1). Last evaluated 2024-11-04.

Conditions:
Deficiency of hydroxymethylglutaryl-CoA lyase (HMGCLD). Also called: HMGCL DEFICIENCY; HYDROXYMETHYLGLUTARIC ACIDURIA; HMG-CoA LYASE DEFICIENCY; Defect in leucine metabolism; 3-hydroxy-3-methylglutaric aciduria. Identifiers: Orphanet 20, MedGen C1533587, MONDO:0009520, OMIM 246450.
Long chain 3-hydroxyacyl-CoA dehydrogenase deficiency. Also called: LCHAD Deficiency; Deficiency of long-chain 3-hydroxyacyl-coenzyme A dehydrogenase. Identifiers: Orphanet 5, MedGen C3711645, MONDO:0012173, OMIM 609016.

Submissions (2):

Natera, Inc.
Classification: Likely pathogenic for Deficiency of long-chain 3-hydroxyacyl-coenzyme A dehydrogenase. Last evaluated: 2024-11-04. Review status: criteria provided, single submitter. Criteria: Natera Variant Classification Schema (03/2026). Collection method: clinical testing. Allele origin: germline.
Comment: The c.137dupA variant in HMGCL is a frameshift variant predicted to shift the reading frame beginning at codon 46 and leads to a stop codon 2 codons downstream. This variant is expected to result in nonsense mediated decay, truncation, or a dysfunctional protein product. This variant is rare in the general population with a frequency below the threshold expected for the associated phenotype(s). Given the available evidence, this variant is classified as Likely Pathogenic.

Labcorp Genetics (formerly Invitae), Labcorp
Classification: Pathogenic for Deficiency of hydroxymethylglutaryl-CoA lyase. Last evaluated: 2021-05-21. Review status: criteria provided, single submitter. Criteria: Invitae Variant Classification Sherloc (09022015). Collection method: clinical testing. Allele origin: germline.
Comment: For these reasons, this variant has been classified as Pathogenic. This variant has been observed in individual(s) with 3-hydroxy-3-methylglutaryl CoA lyase deficiency (PMID: 7479590). It has also been observed to segregate with disease in related individuals. ClinVar contains an entry for this variant (Variation ID: 853456). This variant is not present in population databases (ExAC no frequency). This sequence change creates a premature translational stop signal (p.Asn46Lysfs*2) in the HMGCL gene. It is expected to result in an absent or disrupted protein product. Loss-of-function variants in HMGCL are known to be pathogenic (PMID: 9817922, 17692550, 23465862).

Literature cited by the submitters: PubMed 7479590 (cited by Labcorp Genetics (formerly Invitae), Labcorp); PubMed 9817922 (cited by Labcorp Genetics (formerly Invitae), Labcorp); PubMed 17692550 (cited by Labcorp Genetics (formerly Invitae), Labcorp); PubMed 23465862 (cited by Labcorp Genetics (formerly Invitae), Labcorp).

NM_000191.3(HMGCL):c.137dup (p.Asn46fs)

Gene: HMGCL (3-hydroxy-3-methylglutaryl-CoA lyase; minus strand). Cytogenetic location: 1p36.11.
Variant type: Duplication.
Coding change: c.137dup on transcript NM_000191.3 (MANE Select); coding-DNA position 137, one base duplicated (A; older notation c.137dupA).
Protein change: p.Asn46fs; shifts the reading frame from asparagine 46.
Molecular consequence: frameshift variant.
Genome position (GRCh38, 1-based): chr1:23,820,517, T duplicated on the plus strand (A on the coding strand, the reverse complement: HMGCL is on the minus strand); the first of 4 consecutive T bases (chr1:23,820,517-23,820,520); duplicating any one gives the same sequence. VCF-style (leftmost placement, unchanged base first): chr1-23820516-A-AT. GRCh37 (hg19) VCF-style: chr1-24147006-A-AT.
Other names: c.137dup, p.Asn46fs (NM_001166059.2); c.137dupA (NM_000191.2); short protein forms N46fs.
Identifiers: ClinVar variation 853456 (VCV000853456.11), dbSNP rs1638698938, ClinGen allele CA916082008.